The following is an entry in ClinVar:

ClinVar aggregate classification (germline): Uncertain significance (1 of 4 stars; one submission).

gnomAD v4.1: 1 of 1,599,318 alleles (0.000063%); no homozygotes.

Submission:

Labcorp Genetics (formerly Invitae), Labcorp
Classification: Uncertain significance. Last evaluated: 2025-06-11. Review status: criteria provided, single submitter. Criteria: Invitae Variant Classification Sherloc (09022015). Collection method: clinical testing. Allele origin: germline.
Comment: This sequence change replaces alanine, which is neutral and non-polar, with proline, which is neutral and non-polar, at codon 81 of the FAR1 protein (p.Ala81Pro). This variant is not present in population databases (gnomAD no frequency). This variant has not been reported in the literature in individuals affected with FAR1-related conditions. Invitae Evidence Modeling of protein sequence and biophysical properties (such as structural, functional, and spatial information, amino acid conservation, physicochemical variation, residue mobility, and thermodynamic stability) indicates that this missense variant is not expected to disrupt FAR1 protein function with a negative predictive value of 80%. In summary, the available evidence is currently insufficient to determine the role of this variant in disease. Therefore, it has been classified as a Variant of Uncertain Significance.

NM_032228.6(FAR1):c.241G>C (p.Ala81Pro)

Gene: FAR1 (fatty acyl-CoA reductase 1; plus strand). Cytogenetic location: 11p15.3.
Variant type: single nucleotide variant.
Coding change: c.241G>C on transcript NM_032228.6 (MANE Select); coding-DNA position 241, G replaced by C.
Protein change: p.Ala81Pro; replaces alanine 81 with proline.
Molecular consequence: missense variant.
Genome position (GRCh38, 1-based): chr11:13,700,368, G>C. VCF-style: chr11-13700368-G-C. GRCh37 (hg19) VCF-style: chr11-13721915-G-C.
Other names: c.241G>C, p.Ala81Pro (NM_001441242.1, NM_001441243.1, NM_001441244.1 and 6 more transcripts); short protein forms A81P.
Identifiers: ClinVar variation 4700415 (VCV004700415.1).
Genomic context (GRCh38, chr11:13,700,368, plus strand): 5'-TCTTGATAGCTTTTTGACAGATTGAGAGATGAAAATCCAGATTTTAGAGAGAAAATTATA[G>C]CAATCAACAGCGAACTCACCCAACCTAAACTGGCTCTCAGTGAAGAAGATAAAGAGGTGA-3'
Protein context (NP_115604.1, residues 71-91): ENPDFREKII[Ala81Pro]INSELTQPKL